The following is an entry in ClinVar:

NM_005188.4(CBL):c.1259G>T (p.Arg420Leu)

Gene: CBL (Cbl proto-oncogene; plus strand). Cytogenetic location: 11q23.3.
Variant type: single nucleotide variant.
Coding change: c.1259G>T on transcript NM_005188.4 (MANE Select); coding-DNA position 1259, G replaced by T.
Protein change: p.Arg420Leu; replaces arginine 420 with leucine.
Molecular consequence: missense variant.
Genome position (GRCh38, 1-based): chr11:119,278,541, G>T. VCF-style: chr11-119278541-G-T. GRCh37 (hg19) VCF-style: chr11-119149251-G-T.
Other names: c.1259G>T (NM_005188.2); short protein forms R420L.
Identifiers: ClinVar variation 1386412 (VCV001386412.9), dbSNP rs267606708, ClinGen allele CA382913849.

ClinVar aggregate classification (germline): Likely pathogenic. Review status: criteria provided, multiple submitters, no conflicts (2 of 4 stars). 3 submissions from 3 submitters: Likely pathogenic (3). Last evaluated 2025-12-04.

Conditions:
CBL-related disorder. Also called: NOONAN SYNDROME-LIKE DISORDER WITHOUT JUVENILE MYELOMONOCYTIC LEUKEMIA; CBL MUTATION-ASSOCIATED SYNDROME; CBL SYNDROME. Identifiers: Orphanet 363972, MedGen C3150803, MONDO:0013308, OMIM 613563.
RASopathy. Also called: Noonan spectrum disorder; rasopathies. Identifiers: Orphanet 536391, MedGen C5555857, MONDO:0021060.

gnomAD v4.1: 2 of 1,614,084 alleles (0.00012%); highest among the groups gnomAD compares: Non-Finnish European, 0.00017%; no homozygotes.

Submissions (3):

Labcorp Genetics (formerly Invitae), Labcorp
Classification: Likely pathogenic for RASopathy. Last evaluated: 2025-12-04. Review status: criteria provided, single submitter. Criteria: Invitae Variant Classification Sherloc (09022015). Collection method: clinical testing. Allele origin: germline.
Comment: This sequence change replaces arginine, which is basic and polar, with leucine, which is neutral and non-polar, at codon 420 of the CBL protein (p.Arg420Leu). This variant is not present in population databases (gnomAD no frequency). This variant has not been reported in the literature in individuals affected with CBL-related conditions. ClinVar contains an entry for this variant (Variation ID: 1386412). Invitae Evidence Modeling of protein sequence and biophysical properties (such as structural, functional, and spatial information, amino acid conservation, physicochemical variation, residue mobility, and thermodynamic stability) indicates that this missense variant is expected to disrupt CBL protein function with a positive predictive value of 95%. This variant disrupts the p.Arg420 amino acid residue in CBL. Other variant(s) that disrupt this residue have been determined to be pathogenic (PMID: 17446348, 20619386, 22246246, 25178484, 33318624, 33627783). This suggests that this residue is clinically significant, and that variants that disrupt this residue are likely to be disease-causing. In summary, the currently available evidence indicates that the variant is pathogenic, but additional data are needed to prove that conclusively. Therefore, this variant has been classified as Likely Pathogenic.

3billion
Classification: Likely pathogenic for CBL-related disorder. Last evaluated: 2025-09-10. Review status: criteria provided, single submitter. Criteria: ACMG Guidelines, 2015. Collection method: clinical testing. Allele origin: germline. Affected: yes.
Comment: The variant is observed at an extremely low frequency in the gnomAD v4.1.0 dataset (total allele frequency: <0.001%). Predicted Consequence/Location: Missense variant In silico tool predictions suggest damaging effect of the variant on gene or gene product [REVEL: 0.87 (>=0.6, sensitivity 0.68 and specificity 0.92); 3Cnet: 0.97 (> 0.75, sensitivity 0.96 and precision 0.92)]. The same nucleotide change resulting in the same amino acid change has been previously reported as pathogenic/likely pathogenic with strong evidence (ClinVar ID: VCV001386412). Different missense changes at the same codon (p.Arg420Gln, p.Arg420Gly, p.Arg420Pro) have been reported as pathogenic/likely pathogenic with strong evidence (ClinVar ID: VCV000013810, VCV002065458 /PMID: 20619386, 23823657). Therefore, this variant is classified as Likely pathogenic according to the recommendation of ACMG/AMP guideline.

GeneDx
Classification: Likely pathogenic. Last evaluated: 2025-08-25. Review status: criteria provided, single submitter. Criteria: GeneDx Variant Classification Process June 2021. Collection method: clinical testing. Allele origin: germline.
Comment: Not observed at significant frequency in large population cohorts (gnomAD); In silico analysis supports that this missense variant has a deleterious effect on protein structure/function; Has not been previously published as pathogenic or benign to our knowledge; This variant is associated with the following publications: (PMID: 20619386, 22315494, 38339343)

Literature cited by the submitters: PubMed 17446348 (cited by Labcorp Genetics (formerly Invitae), Labcorp); PubMed 20619386 (cited by Labcorp Genetics (formerly Invitae), Labcorp and 3billion); PubMed 22246246 (cited by Labcorp Genetics (formerly Invitae), Labcorp); PubMed 25178484 (cited by Labcorp Genetics (formerly Invitae), Labcorp); PubMed 33318624 (cited by Labcorp Genetics (formerly Invitae), Labcorp); PubMed 33627783 (cited by Labcorp Genetics (formerly Invitae), Labcorp).